The following is an entry in ClinVar:

NM_005902.4(SMAD3):c.723C>T (p.Asn241=)

Gene: SMAD3 (SMAD family member 3; plus strand). Cytogenetic location: 15q22.33.
Variant type: single nucleotide variant.
Coding change: c.723C>T on transcript NM_005902.4 (MANE Select); coding-DNA position 723, C replaced by T.
Protein change: p.Asn241=; no amino-acid change (asparagine 241 retained).
Molecular consequence: synonymous variant.
Genome position (GRCh38, 1-based): chr15:67,181,305, C>T. VCF-style: chr15-67181305-C-T. GRCh37 (hg19) VCF-style: chr15-67473643-C-T.
Other names: c.408C>T, p.Asn136= (NM_001145102.2); c.591C>T, p.Asn197= (NM_001145103.2); c.138C>T, p.Asn46= (NM_001145104.2).
Identifiers: ClinVar variation 264410 (VCV000264410.19), dbSNP rs144667334, ClinGen allele CA062604.
Genomic context (GRCh38, chr15:67,181,305, plus strand): 5'-GCAGCCAGTTACCTACTGCGAGCCGGCCTTCTGGTGCTCCATCTCCTACTACGAGCTGAA[C>T]CAGCGCGTCGGGGAGACATTCCACGCCTCGCAGCCATCCATGACTGTGGATGGCTTCACC-3'
Protein context (NP_005893.1, residues 231-251): FWCSISYYEL[Asn241=]QRVGETFHAS

ClinVar aggregate classification (germline): Likely benign. Review status: criteria provided, multiple submitters, no conflicts (2 of 4 stars). 4 submissions from 4 submitters: Likely benign (4). Last evaluated 2024-04-20.

Conditions:
Familial thoracic aortic aneurysm and aortic dissection (TAAD). Also called: Thoracic aortic aneurysms and dissections. Identifiers: Orphanet 91387, MedGen C4707243, MONDO:0019625.
Aneurysm-osteoarthritis syndrome. Also called: SMAD3-Related Loeys-Dietz Syndrome; ANEURYSMS-OSTEOARTHRITIS SYNDROME; LOEYS-DIETZ SYNDROME WITH OSTEOARTHRITIS; Loeys-Dietz syndrome, type 1C. Identifiers: Orphanet 284984, MedGen C3151087, MONDO:0013426, OMIM 613795.

Allele frequency attached by ClinVar (database versions not stated): gnomAD 0.00003 and 0.00004; TOPMed 0.00004; ExAC 0.00006; ESP Exome Variant Server 0.00008.
gnomAD v4.1: 31 of 1,613,920 alleles (0.0019%); highest among the groups gnomAD compares: African/African-American, 0.015%; no homozygotes.

Submissions (4):

Labcorp Genetics (formerly Invitae), Labcorp
Classification: Likely benign for Familial thoracic aortic aneurysm and aortic dissection. Last evaluated: 2024-04-20. Review status: criteria provided, single submitter. Criteria: Invitae Variant Classification Sherloc (09022015). Collection method: clinical testing. Allele origin: germline.

All of Us Research Program, National Institutes of Health
Classification: Likely benign for Aneurysm-osteoarthritis syndrome. Last evaluated: 2023-12-13. Review status: criteria provided, single submitter. Criteria: ACMG Guidelines, 2015. Collection method: clinical testing. Allele origin: germline. Inheritance: Autosomal dominant inheritance. Observed: 6 variant alleles, 6 heterozygotes.
Comment: This study involves interpretation of variants in research participants for the purpose of population health screening. Participant phenotype was not available at the time of variant classification. Additional details can be found in publication PMID: 35346344, PMCID: PMC8962531

Color Diagnostics, LLC DBA Color Health
Classification: Likely benign for Familial thoracic aortic aneurysm and aortic dissection. Last evaluated: 2019-01-27. Review status: criteria provided, single submitter. Criteria: ACMG Guidelines, 2015. Collection method: clinical testing. Allele origin: germline.

Ambry Genetics
Classification: Likely benign for Familial thoracic aortic aneurysm and aortic dissection. Last evaluated: 2015-11-02. Review status: criteria provided, single submitter. Criteria: Ambry Variant Classification Scheme 2023. Collection method: clinical testing. Allele origin: germline.